The following is an entry in ClinVar:

NM_001005242.3(PKP2):c.1013C>T (p.Thr338Ile)

Gene: PKP2 (plakophilin 2; minus strand). Cytogenetic location: 12p11.21.
Variant type: single nucleotide variant.
Coding change: c.1013C>T on transcript NM_001005242.3 (MANE Select); coding-DNA position 1013, C replaced by T.
Protein change: p.Thr338Ile; replaces threonine 338 with isoleucine.
Molecular consequence: missense variant.
Genome position (GRCh38, 1-based): chr12:32,877,867, G>A on the plus strand (C>T on the coding strand, the complement: PKP2 is on the minus strand). VCF-style: chr12-32877867-G-A. GRCh37 (hg19) VCF-style: chr12-33030801-G-A.
Other names: c.1013C>T, p.Thr338Ile (NM_001407155.1, NM_001407156.1, NM_001407157.1 and 2 more transcripts); c.686C>T, p.Thr229Ile (NM_001407158.1, NM_001407159.1, NM_001407160.1 and 1 more transcripts); short protein forms T229I, T338I.
Identifiers: ClinVar variation 3071543 (VCV003071543.1), dbSNP rs756946586, ClinGen allele CA384361652.

ClinVar aggregate classification (germline): Uncertain significance (1 of 4 stars; one submission).

Conditions:
Arrhythmogenic right ventricular cardiomyopathy (ARVD). Also called: Arrhythmogenic right ventricular dysplasia; Cardiomyopathy, ARVC; Arrhythmogenic cardiomyopathy; Arrhythmogenic Right Ventricular Cardiomyopathy (ARVC). Identifiers: Orphanet 247, MedGen C0349788, MeSH D019571, MONDO:0016587. Disease mechanism: loss of function. Inheritance: Various modes of inheritance.

gnomAD v4.1: 1 of 1,613,796 alleles (0.000062%); highest among the groups gnomAD compares: South Asian, 0.0011%; no homozygotes.

Submission:

All of Us Research Program, National Institutes of Health
Classification: Uncertain significance for Arrhythmogenic right ventricular cardiomyopathy. Last evaluated: 2023-06-08. Review status: criteria provided, single submitter. Criteria: ACMG Guidelines, 2015. Collection method: clinical testing. Allele origin: germline. Inheritance: Autosomal dominant inheritance. Observed: 1 variant allele, 1 heterozygote.
Comment: This missense variant replaces threonine with isoleucine at codon 338 of the PKP2 protein. Computational prediction suggests that this variant may not impact protein structure and function (internally defined REVEL score threshold <= 0.5, PMID: 27666373). To our knowledge, functional studies have not been reported for this variant. This variant has not been reported in individuals affected with PKP2-related disorders in the literature. This variant has not been identified in the general population by the Genome Aggregation Database (gnomAD). The available evidence is insufficient to determine the role of this variant in disease conclusively. Therefore, this variant is classified as a Variant of Uncertain Significance.

This study involves interpretation of variants in research participants for the purpose of population health screening. Participant phenotype was not available at the time of variant classification. Additional details can be found in publication PMID: 35346344, PMCID: PMC8962531